The following is an entry in ClinVar:

NM_001199799.2(ILDR1):c.1360G>A (p.Glu454Lys)

Gene: ILDR1 (immunoglobulin like domain containing receptor 1; minus strand). Cytogenetic location: 3q13.33.
Variant type: single nucleotide variant.
Coding change: c.1360G>A on transcript NM_001199799.2 (MANE Select); coding-DNA position 1360, G replaced by A.
Protein change: p.Glu454Lys; replaces glutamic acid 454 with lysine.
Molecular consequence: missense variant.
Genome position (GRCh38, 1-based): chr3:121,993,389, C>T on the plus strand (G>A on the coding strand, the complement: ILDR1 is on the minus strand). VCF-style: chr3-121993389-C-T. GRCh37 (hg19) VCF-style: chr3-121712236-C-T.
Other names: c.1093G>A, p.Glu365Lys (NM_001199800.2); c.1228G>A, p.Glu410Lys (NM_175924.4); short protein forms E454K, E365K, E410K.
Identifiers: ClinVar variation 163696 (VCV000163696.4), dbSNP rs727503097, ClinGen allele CA176359.

ClinVar aggregate classification (germline): Uncertain significance (1 of 4 stars; one submission).

Allele frequency attached by ClinVar (database versions not stated): TOPMed below 0.00001; gnomAD 0.00001 and 0.00002; gnomAD exomes 0.00001 and 0.00002; ExAC 0.00002.
gnomAD v4.1: 22 of 1,613,016 alleles (0.0014%); highest among the groups gnomAD compares: Non-Finnish European, 0.0018%; no homozygotes.

Submission:

Laboratory for Molecular Medicine, Mass General Brigham Personalized Medicine
Classification: Uncertain significance. Last evaluated: 2016-10-25. Review status: criteria provided, single submitter. Criteria: LMM Criteria. Collection method: clinical testing. Allele origin: germline. Observed: 2 variant alleles.
Comment: Variant classified as Uncertain Significance - Favor Benign. The p.Glu454Lys var iant in ILDR has now been identified by our laboratory in two individuals with h earing loss, but a variant affecting the remaining copy of ILDR1 was not identif ied in either one. This variant has been identified in 2/64670 European chromoso mes by the Exome Aggregation Consortium (ExAC; d bSNP rs727503097); however, this frequency is not high enough to rule out a path ogenic role. The glutamic acid (Glu) at position 454 is not conserved in mammals or evolutionary distant species, raising the possibility that a change at this position may be tolerated. Additional computational prediction tools suggest tha t this variant may not impact the protein, though this information is not predic tive enough to rule out pathogenicity. In summary, while the clinical significan ce of the p.Glu454Lys variant is uncertain, available data suggest that it is mo re likely to be benign.